The following is an entry in ClinVar:

ClinVar aggregate classification (germline): Pathogenic/Likely pathogenic. Review status: criteria provided, multiple submitters, no conflicts (2 of 4 stars). 5 submissions from 5 submitters: Pathogenic (2); Likely pathogenic (2). 1 of the submissions does not count toward it. Last evaluated 2021-06-10.

Conditions:
Immunodeficiency 49 (IMD49). Also called: SEVERE COMBINED IMMUNODEFICIENCY, T CELL-NEGATIVE, B CELL-POSITIVE, NK CELL-POSITIVE, WITH INTELLECTUAL DISABILITY, SPASTICITY, AND CRANIOFACIAL ABNORMALITIES; SCID, T CELL-NEGATIVE, B CELL-POSITIVE, NK CELL-POSITIVE, WITH INTELLECTUAL DISABILITY, SPASTICITY, AND CRANIOFACIAL ABNORMALITIES; IMMUNODEFICIENCY 49, SEVERE COMBINED. Identifiers: MedGen C4310656, MONDO:0014981, OMIM 617237.
Intellectual developmental disorder with speech delay, dysmorphic facies, and t-cell abnormalities. Also called: BCL11B-related BAFopathy. Identifiers: Orphanet 662829, MedGen C4748152, MONDO:0060763, OMIM 618092.

Submissions (5):

Baylor Genetics
Classification: Likely pathogenic for BCL11B-related BAFopathy. Last evaluated: 2021-06-10. Review status: criteria provided, single submitter. Criteria: ACMG Guidelines, 2015. Collection method: clinical testing. Allele origin: de novo. Affected: yes.

Broad Center for Mendelian Genomics, Broad Institute of MIT and Harvard
Classification: Likely pathogenic for Intellectual developmental disorder with speech delay, dysmorphic facies, and t-cell abnormalities. Last evaluated: 2020-05-29. Review status: criteria provided, single submitter. Criteria: ACMG Guidelines, 2015. Collection method: research. Allele origin: germline. Inheritance: Autosomal dominant inheritance.
Comment: This variant was absent from large population studies. The p.Asn807Lys variant is located in a region of BCL11B that is essential to protein folding and stability, suggesting that this variant is in a functional domain and slightly supports pathogenicity (PMID: 29985992). In summary, although additional studies are required to fully establish its clinical significance, this variant is likely pathogenic. ACMG/AMP Criteria applied: PS2, PM2, PM1_supporting (Richards 2015).

GeneDx
Classification: Pathogenic. Last evaluated: 2020-04-07. Review status: criteria provided, single submitter. Criteria: GeneDx Variant Classification (06012015). Collection method: clinical testing. Allele origin: germline. Affected: yes.
Comment: The N807K variant in the BCL11B gene has been reported previously as a de novo variant in a child with developmental delay, dysmorphic facial features, dental anomalies, feeding anomalies, and low T-cell receptor excision circle (TREC) analysis at birth (Lessel et al., 2018). The variant is not observed in large population cohorts (Lek et al., 2016). The N807K variant is a semi-conservative amino acid substitution, which may impact secondary protein structure as these residues differ in some properties. In-silico analyses, including protein predictors and evolutionary conservation, support a deleterious effect. We interpret N807K as a pathogenic variant.

Institute of Human Genetics Munich, TUM University Hospital
Classification: Pathogenic for Intellectual developmental disorder with speech delay, dysmorphic facies, and t-cell abnormalities. Last evaluated: 2019-09-17. Review status: criteria provided, single submitter. Criteria: Classification criteria August 2017. Collection method: clinical testing. Allele origin: de novo. Inheritance: Autosomal dominant inheritance. Affected: yes. Observed: 1 heterozygote.

OMIM
Classification: Pathogenic for IMMUNODEFICIENCY 49. Last evaluated: 2018-08-28. Review status: no assertion criteria provided. Collection method: literature only. Allele origin: germline. Not counted in ClinVar's aggregate classification.

Literature cited by the submitters: PubMed 29985992 (cited by Broad Center for Mendelian Genomics, Broad Institute of MIT and Harvard and OMIM); PubMed 27959755 (cited by OMIM).

NM_138576.4(BCL11B):c.2421C>G (p.Asn807Lys)

Gene: BCL11B (BCL11 transcription factor B; minus strand). Cytogenetic location: 14q32.2.
Variant type: single nucleotide variant.
Coding change: c.2421C>G on transcript NM_138576.4 (MANE Select); coding-DNA position 2421, C replaced by G.
Protein change: p.Asn807Lys; replaces asparagine 807 with lysine.
Molecular consequence: missense variant.
Genome position (GRCh38, 1-based): chr14:99,174,415, G>C on the plus strand (C>G on the coding strand, the complement: BCL11B is on the minus strand). VCF-style: chr14-99174415-G-C. GRCh37 (hg19) VCF-style: chr14-99640752-G-C.
Other names: c.2418C>G, p.Asn806Lys (NM_001282237.2); c.2205C>G, p.Asn735Lys (NM_001282238.2); c.2208C>G, p.Asn736Lys (NM_022898.3); short protein forms N807K, N736K, N735K, N806K.
Identifiers: ClinVar variation 560174 (VCV000560174.8), dbSNP rs888230251, ClinGen allele CA390933262.